The following is an entry in ClinVar:

ClinVar aggregate classification (germline): Uncertain significance (1 of 4 stars; one submission).

Conditions:
Common variable immunodeficiency (CVID). Also called: Common variable hypogamma-globulinemia; Common variable agammaglobulinemia. Identifiers: Orphanet 1572, MedGen C0009447, MONDO:0015517.

Allele frequency attached by ClinVar (database versions not stated): gnomAD exomes 0.00001; TOPMed 0.00002; gnomAD 0.00003.

Submission:

Labcorp Genetics (formerly Invitae), Labcorp
Classification: Uncertain significance for Common variable immunodeficiency. Last evaluated: 2024-07-20. Review status: criteria provided, single submitter. Criteria: Invitae Variant Classification Sherloc (09022015). Collection method: clinical testing. Allele origin: germline.
Comment: This sequence change replaces arginine, which is basic and polar, with cysteine, which is neutral and slightly polar, at codon 227 of the TNFSF12 protein (p.Arg227Cys). The frequency data for this variant in the population databases is considered unreliable, as metrics indicate poor data quality at this position in the gnomAD database. This variant has not been reported in the literature in individuals affected with TNFSF12-related conditions. ClinVar contains an entry for this variant (Variation ID: 565681). An algorithm developed to predict the effect of missense changes on protein structure and function (PolyPhen-2) suggests that this variant is likely to be disruptive. In summary, the available evidence is currently insufficient to determine the role of this variant in disease. Therefore, it has been classified as a Variant of Uncertain Significance.

NM_003809.3(TNFSF12):c.679C>T (p.Arg227Cys)

Genes: TNFSF12 (TNF superfamily member 12; plus strand), TNFSF12-TNFSF13 (TNFSF12-TNFSF13 readthrough; plus strand). Cytogenetic location: 17p13.1.
Variant type: single nucleotide variant.
Coding change: c.679C>T on transcript NM_003809.3 (MANE Select); coding-DNA position 679, C replaced by T.
Protein change: p.Arg227Cys; replaces arginine 227 with cysteine.
Molecular consequence: missense variant. On other transcripts: non-coding transcript variant (1), intron variant (1).
Genome position (GRCh38, 1-based): chr17:7,557,279, C>T. VCF-style: chr17-7557279-C-T. GRCh37 (hg19) VCF-style: chr17-7460596-C-T.
Other names: c.498+377C>T (NM_172089.4); short protein forms R227C.
Identifiers: ClinVar variation 565681 (VCV000565681.11), dbSNP rs1414804824, ClinGen allele CA397864519.